The following is an entry in ClinVar:

NM_015450.3(POT1):c.124+1G>A

Gene: POT1 (protection of telomeres 1; minus strand). Cytogenetic location: 7q31.33.
Variant type: single nucleotide variant.
Coding change: c.124+1G>A on transcript NM_015450.3 (MANE Select); the canonical splice donor site of the intron after coding-DNA position 124, G replaced by A.
Molecular consequence: splice donor variant.
Genome position (GRCh38, 1-based): chr7:124,892,265, C>T on the plus strand (G>A on the coding strand, the complement: POT1 is on the minus strand). VCF-style: chr7-124892265-C-T. GRCh37 (hg19) VCF-style: chr7-124532319-C-T.
Other names: c.-139+1G>A (NM_001042594.2).
Identifiers: ClinVar variation 2585759 (VCV002585759.2), dbSNP rs1563008413, ClinGen allele CA369065921.

ClinVar aggregate classification (germline): Likely pathogenic (1 of 4 stars; one submission).

Conditions:
Hereditary cancer-predisposing syndrome. Also called: Hereditary neoplastic syndrome; Tumor predisposition; Hereditary Cancer Syndrome; Neoplastic Syndromes, Hereditary. Identifiers: Orphanet 140162, MedGen C0027672, MeSH D009386, MONDO:0015356.

Submission:

Ambry Genetics
Classification: Likely pathogenic for Hereditary cancer-predisposing syndrome. Last evaluated: 2023-07-18. Review status: criteria provided, single submitter. Criteria: Ambry Variant Classification Scheme 2023. Collection method: clinical testing. Allele origin: germline.
Comment: The c.124+1G>A intronic variant results from a G to A substitution one nucleotide after coding exon 2 of the POT1 gene. This nucleotide position is highly conserved in available vertebrate species. In silico splice site analysis predicts that this alteration will weaken the native splice donor site; however, direct evidence is insufficient at this time (Ambry internal data). This variant is considered to be rare based on population cohorts in the Genome Aggregation Database (gnomAD). Alterations that disrupt the canonical splice site are expected to cause aberrant splicing, resulting in an abnormal protein or a transcript that is subject to nonsense-mediated mRNA decay. As such, this alteration is classified as likely pathogenic.